The following is an entry in ClinVar:

NM_014712.3(SETD1A):c.3097dup (p.Ser1033fs)

Gene: SETD1A (SET domain containing 1A, histone lysine methyltransferase; plus strand). Cytogenetic location: 16p11.2.
Variant type: Duplication.
Coding change: c.3097dup on transcript NM_014712.3 (MANE Select); coding-DNA position 3097, one base duplicated (T; older notation c.3097dupT).
Protein change: p.Ser1033fs; shifts the reading frame from serine 1033.
Molecular consequence: frameshift variant.
Genome position (GRCh38, 1-based): chr16:30,971,458, T duplicated. VCF-style (leftmost placement, unchanged base first): chr16-30971457-C-CT. GRCh37 (hg19) VCF-style: chr16-30982778-C-CT.
Other names: short protein forms S1033fs.
Identifiers: ClinVar variation 4294500 (VCV004294500.1).

ClinVar aggregate classification (germline): Likely pathogenic (1 of 4 stars; one submission).

Conditions:
Neurodevelopmental disorder with speech impairment and dysmorphic facies. Identifiers: MedGen C5436699, MONDO:0033630, OMIM 619056.

Submission:

Molecular Genetics Department, Kulakov National Medical Research Center for Obstetrics, Gynecology and Perinatology
Classification: Likely pathogenic for Neurodevelopmental disorder with speech impairment and dysmorphic facies. Review status: criteria provided, single submitter. Criteria: ACMG Guidelines, 2015. Collection method: clinical testing. Allele origin: de novo. Affected: yes. Observed: 1 variant allele.
Comment: A previously undescribed heterozygous nucleotide variant creates a frameshift p.Ser1033PhefsTer27 in the SETD1A gene. Heterozygous variants leading to loss of full-length protein are reported in patients with neurodevelopmental disorder with speech impairment and dysmorphic facies, 619056 and in patient with congenital bronchomalacia [Jin et al., 2023, PMID: 37000069]. The variant is not present in population database (gnomAD no frequency). Sanger sequencing revealed that the variant arose de novo (parentage confirmed). In summary, the currently available evidence indicates that the variant is pathogenic, but additional data are needed to prove that conclusively. Therefore, this variant has been classified as likely pathogenic.

Literature cited by the submitters: PubMed 37000069.